The following is an entry in ClinVar:

ClinVar aggregate classification (germline): Uncertain significance. Review status: criteria provided, multiple submitters, no conflicts (2 of 4 stars). 2 submissions from 2 submitters: Uncertain significance (2). Last evaluated 2025-08-09.

Allele frequency attached by ClinVar (database versions not stated): ExAC 0.00001; gnomAD 0.00003; TOPMed 0.00004; ESP Exome Variant Server 0.00008.
gnomAD v4.1: 7 of 1,614,000 alleles (0.00043%); highest among the groups gnomAD compares: African/African-American, 0.0093%; no homozygotes.

Submissions (2):

Ambry Genetics
Classification: Uncertain significance. Last evaluated: 2025-08-09. Review status: criteria provided, single submitter. Criteria: Ambry Variant Classification Scheme 2023. Collection method: clinical testing. Allele origin: germline.

Labcorp Genetics (formerly Invitae), Labcorp
Classification: Uncertain significance. Last evaluated: 2023-11-13. Review status: criteria provided, single submitter. Criteria: Invitae Variant Classification Sherloc (09022015). Collection method: clinical testing. Allele origin: germline.
Comment: This sequence change replaces methionine, which is neutral and non-polar, with arginine, which is basic and polar, at codon 48 of the LIPC protein (p.Met48Arg). This variant is present in population databases (rs145223292, gnomAD 0.007%). This variant has not been reported in the literature in individuals affected with LIPC-related conditions. ClinVar contains an entry for this variant (Variation ID: 2416787). Advanced modeling of protein sequence and biophysical properties (such as structural, functional, and spatial information, amino acid conservation, physicochemical variation, residue mobility, and thermodynamic stability) performed at Invitae indicates that this missense variant is not expected to disrupt LIPC protein function with a negative predictive value of 80%. In summary, the available evidence is currently insufficient to determine the role of this variant in disease. Therefore, it has been classified as a Variant of Uncertain Significance.

NM_000236.3(LIPC):c.143T>G (p.Met48Arg)

Gene: LIPC (lipase C, hepatic type; plus strand). Cytogenetic location: 15q21.3.
Variant type: single nucleotide variant.
Coding change: c.143T>G on transcript NM_000236.3 (MANE Select); coding-DNA position 143, T replaced by G.
Protein change: p.Met48Arg; replaces methionine 48 with arginine.
Molecular consequence: missense variant.
Genome position (GRCh38, 1-based): chr15:58,538,387, T>G. VCF-style: chr15-58538387-T-G. GRCh37 (hg19) VCF-style: chr15-58830586-T-G.
Other names: c.143T>G (NM_000236.2); short protein forms M48R.
Identifiers: ClinVar variation 2416787 (VCV002416787.8), dbSNP rs145223292, ClinGen allele CA7584731.